The following is an entry in ClinVar:

NM_006939.4(SOS2):c.1171C>G (p.Gln391Glu)

Gene: SOS2 (SOS Ras/Rho guanine nucleotide exchange factor 2; minus strand). Cytogenetic location: 14q21.3.
Variant type: single nucleotide variant.
Coding change: c.1171C>G on transcript NM_006939.4 (MANE Select); coding-DNA position 1171, C replaced by G.
Protein change: p.Gln391Glu; replaces glutamine 391 with glutamic acid.
Molecular consequence: missense variant.
Genome position (GRCh38, 1-based): chr14:50,161,507, G>C on the plus strand (C>G on the coding strand, the complement: SOS2 is on the minus strand). VCF-style: chr14-50161507-G-C. GRCh37 (hg19) VCF-style: chr14-50628225-G-C.
Other names: c.1072C>G, p.Gln358Glu (NM_001411020.1); short protein forms Q391E, Q358E.
Identifiers: ClinVar variation 1739684 (VCV001739684.3), dbSNP rs2503002112, ClinGen allele CA389646409.
Genomic context (GRCh38, chr14:50,161,507, plus strand): 5'-CAGAGGCATTCACGTTTTCAACACTTTGGAATTACCCAGGTCGACGTCTAGGTGAATACT[G>C]CTTGTAAATTCGGTCCATGCTACCTTGGAGATTCATGAGAGCAGTAATAGCTTGGTTCAA-3'
Protein context (NP_008870.2, residues 381-401): LQGSMDRIYK[Gln391Glu]YSPRRRPGDP

ClinVar aggregate classification (germline): Uncertain significance. Review status: criteria provided, multiple submitters, no conflicts (2 of 4 stars). 2 submissions from 2 submitters: Uncertain significance (2). Last evaluated 2025-06-11.

Conditions:
Cardiovascular phenotype. Identifiers: MedGen CN230736.
Noonan syndrome 9 (NS9). Identifiers: Orphanet 648, MedGen C4225282, MONDO:0014691, OMIM 616559.

Submissions (2):

Labcorp Genetics (formerly Invitae), Labcorp
Classification: Uncertain significance for Noonan syndrome 9. Last evaluated: 2025-06-11. Review status: criteria provided, single submitter. Criteria: Invitae Variant Classification Sherloc (09022015). Collection method: clinical testing. Allele origin: germline.
Comment: This sequence change replaces glutamine, which is neutral and polar, with glutamic acid, which is acidic and polar, at codon 391 of the SOS2 protein (p.Gln391Glu). This variant is not present in population databases (gnomAD no frequency). This variant has not been reported in the literature in individuals affected with SOS2-related conditions. ClinVar contains an entry for this variant (Variation ID: 1739684). Invitae Evidence Modeling of protein sequence and biophysical properties (such as structural, functional, and spatial information, amino acid conservation, physicochemical variation, residue mobility, and thermodynamic stability) indicates that this missense variant is not expected to disrupt SOS2 protein function with a negative predictive value of 95%. In summary, the available evidence is currently insufficient to determine the role of this variant in disease. Therefore, it has been classified as a Variant of Uncertain Significance.

Ambry Genetics
Classification: Uncertain significance for Cardiovascular phenotype. Last evaluated: 2021-11-14. Review status: criteria provided, single submitter. Criteria: Ambry Variant Classification Scheme 2023. Collection method: clinical testing. Allele origin: germline.
Comment: The p.Q391E variant (also known as c.1171C>G), located in coding exon 9 of the SOS2 gene, results from a C to G substitution at nucleotide position 1171. The glutamine at codon 391 is replaced by glutamic acid, an amino acid with highly similar properties. This amino acid position is conserved. In addition, this alteration is predicted to be tolerated by in silico analysis. Since supporting evidence is limited at this time, the clinical significance of this alteration remains unclear.